The following is an entry in ClinVar:

ClinVar aggregate classification (germline): Uncertain significance (1 of 4 stars; one submission).

Allele frequency attached by ClinVar (database versions not stated): gnomAD 0.00003; TOPMed 0.00003; ESP Exome Variant Server 0.00008; gnomAD exomes 0.00008; ExAC 0.00010.
gnomAD v4.1: 126 of 1,614,126 alleles (0.0078%); highest among the groups gnomAD compares: Non-Finnish European, 0.01%; no homozygotes.

Submission:

Labcorp Genetics (formerly Invitae), Labcorp
Classification: Uncertain significance. Last evaluated: 2022-06-14. Review status: criteria provided, single submitter. Criteria: Invitae Variant Classification Sherloc (09022015). Collection method: clinical testing. Allele origin: germline.
Comment: This sequence change replaces glutamic acid, which is acidic and polar, with glycine, which is neutral and non-polar, at codon 259 of the FLAD1 protein (p.Glu259Gly). This variant is present in population databases (rs148868251, gnomAD 0.02%). This variant has not been reported in the literature in individuals affected with FLAD1-related conditions. Algorithms developed to predict the effect of missense changes on protein structure and function (SIFT, PolyPhen-2, Align-GVGD) all suggest that this variant is likely to be tolerated. In summary, the available evidence is currently insufficient to determine the role of this variant in disease. Therefore, it has been classified as a Variant of Uncertain Significance.

NM_025207.5(FLAD1):c.776A>G (p.Glu259Gly)

Gene: FLAD1 (flavin adenine dinucleotide synthetase 1; plus strand). Cytogenetic location: 1q21.3.
Variant type: single nucleotide variant.
Coding change: c.776A>G on transcript NM_025207.5 (MANE Select); coding-DNA position 776, A replaced by G.
Protein change: p.Glu259Gly; replaces glutamic acid 259 with glycine.
Molecular consequence: missense variant.
Genome position (GRCh38, 1-based): chr1:154,988,508, A>G. VCF-style: chr1-154988508-A-G. GRCh37 (hg19) VCF-style: chr1-154960984-A-G.
Other names: c.485A>G, p.Glu162Gly (NM_001184891.2, NM_201398.3); c.479A>G, p.Glu160Gly (NM_001184892.2); short protein forms E160G, E162G, E259G.
Identifiers: ClinVar variation 2175872 (VCV002175872.1), dbSNP rs148868251, ClinGen allele CA1134397.